The following is an entry in ClinVar:

NM_030632.3(ASXL3):c.6205T>C (p.Trp2069Arg)

Gene: ASXL3 (ASXL transcriptional regulator 3; plus strand). Cytogenetic location: 18q12.1.
Variant type: single nucleotide variant.
Coding change: c.6205T>C on transcript NM_030632.3 (MANE Select); coding-DNA position 6205, T replaced by C.
Protein change: p.Trp2069Arg; replaces tryptophan 2069 with arginine.
Molecular consequence: missense variant.
Genome position (GRCh38, 1-based): chr18:33,746,053, T>C. VCF-style: chr18-33746053-T-C. GRCh37 (hg19) VCF-style: chr18-31326017-T-C.
Other names: short protein forms W2069R.
Identifiers: ClinVar variation 2578112 (VCV002578112.1), dbSNP rs776137720, ClinGen allele CA402196351.

ClinVar aggregate classification (germline): Uncertain significance (1 of 4 stars; one submission).

Submission:

GeneDx
Classification: Uncertain significance. Last evaluated: 2023-02-27. Review status: criteria provided, single submitter. Criteria: GeneDx Variant Classification Process June 2021. Collection method: clinical testing. Allele origin: germline. Affected: yes.
Comment: Not observed at significant frequency in large population cohorts (gnomAD); In silico analysis supports that this missense variant has a deleterious effect on protein structure/function; Has not been previously published as pathogenic or benign to our knowledge